The following is an entry in ClinVar:

ClinVar aggregate classification (germline): Uncertain significance. Review status: criteria provided, multiple submitters, no conflicts (2 of 4 stars). 2 submissions from 2 submitters: Uncertain significance (2). Last evaluated 2025-04-07.

Conditions:
Cardiovascular phenotype. Identifiers: MedGen CN230736.

Submissions (2):

Labcorp Genetics (formerly Invitae), Labcorp
Classification: Uncertain significance. Last evaluated: 2025-04-07. Review status: criteria provided, single submitter. Criteria: Invitae Variant Classification Sherloc (09022015). Collection method: clinical testing. Allele origin: germline.
Comment: This sequence change replaces alanine, which is neutral and non-polar, with isoleucine, which is neutral and non-polar, at codon 984 of the ALPK3 protein (p.Ala984Ile). This variant is present in population databases (no rsID available, gnomAD 0.0008%). This variant has not been reported in the literature in individuals affected with ALPK3-related conditions. ClinVar contains an entry for this variant (Variation ID: 2449108). An algorithm developed to predict the effect of missense changes on protein structure and function (PolyPhen-2) suggests that this variant is likely to be tolerated. In summary, the available evidence is currently insufficient to determine the role of this variant in disease. Therefore, it has been classified as a Variant of Uncertain Significance.

Ambry Genetics
Classification: Uncertain significance for Cardiovascular phenotype. Last evaluated: 2023-01-27. Review status: criteria provided, single submitter. Criteria: Ambry Variant Classification Scheme 2023. Collection method: clinical testing. Allele origin: germline.
Comment: The c.2950_2951delGCinsAT variant, located in coding exon 6 of the ALPK3 gene, results from an in-frame deletion of GC and insertion of AT at nucleotide positions 2950 to 2951. This results in the substitution of the alanine residue for an isoleucine residue at codon 984, an amino acid with similar properties. This amino acid position is not well conserved in available vertebrate species. In addition, this alteration is predicted to be neutral by in silico analysis (Choi Y et al. PLoS ONE. 2012; 7(10):e46688). Since supporting evidence is limited at this time, the clinical significance of this alteration remains unclear.

NM_020778.5(ALPK3):c.2344_2345delinsAT (p.Ala782Ile)

Gene: ALPK3 (alpha kinase 3; plus strand). Cytogenetic location: 15q25.3.
Variant type: Indel.
Coding change: c.2344_2345delinsAT on transcript NM_020778.5 (MANE Select); coding-DNA positions 2344 to 2345, GC replaced by AT.
Protein change: p.Ala782Ile; replaces alanine 782 with isoleucine.
Molecular consequence: missense variant.
Genome position (GRCh38, 1-based): chr15:84,857,082-84,857,083, GC replaced by AT. VCF-style: chr15-84857082-GC-AT. GRCh37 (hg19) VCF-style: chr15-85400313-GC-AT.
Other names: short protein forms A782I.
Identifiers: ClinVar variation 2449108 (VCV002449108.3), dbSNP rs2505720066, ClinGen allele CA2580090111.